The following is an entry in ClinVar:

NM_206933.4(USH2A):c.14625C>T (p.Ala4875=)

Gene: USH2A (usherin; minus strand). Cytogenetic location: 1q41.
Variant type: single nucleotide variant.
Coding change: c.14625C>T on transcript NM_206933.4 (MANE Select); coding-DNA position 14625, C replaced by T.
Protein change: p.Ala4875=; no amino-acid change (alanine 4875 retained).
Molecular consequence: synonymous variant.
Genome position (GRCh38, 1-based): chr1:215,647,688, G>A on the plus strand (C>T on the coding strand, the complement: USH2A is on the minus strand). VCF-style: chr1-215647688-G-A. GRCh37 (hg19) VCF-style: chr1-215821030-G-A.
Identifiers: ClinVar variation 793969 (VCV000793969.39), dbSNP rs773859845, ClinGen allele CA1392963.

ClinVar aggregate classification (germline): Likely benign. Review status: criteria provided, multiple submitters, no conflicts (2 of 4 stars). 9 submissions from 8 submitters: Likely benign (5). 4 of the submissions do not count toward it. Last evaluated 2026-01-26.

Conditions:
Usher syndrome type 2A. Also called: RETINAL DISEASE IN USHER SYNDROME TYPE IIA, MODIFIER OF; USHER SYNDROME, TYPE IIA. Identifiers: Orphanet 231178, Orphanet 886, MedGen C1848634, MONDO:0010169, OMIM 276901.
Retinitis pigmentosa 39 (RP39). Identifiers: Orphanet 791, MedGen C3151138, MONDO:0013436, OMIM 613809.
Retinal dystrophy. Also called: Inherited retinal dystrophy. Identifiers: Orphanet 71862, MedGen C0854723, MeSH D058499, MONDO:0019118, HP:0000556.

Allele frequency attached by ClinVar (database versions not stated): ExAC 0.00001; gnomAD 0.00002; gnomAD exomes 0.00002 and 0.00004; TOPMed 0.00002.
gnomAD v4.1: 62 of 1,614,058 alleles (0.0038%); highest among the groups gnomAD compares: Middle Eastern, 0.033%; no homozygotes.

Submissions (9):

Labcorp Genetics (formerly Invitae), Labcorp
Classification: Likely benign. Last evaluated: 2026-01-26. Review status: criteria provided, single submitter. Criteria: Invitae Variant Classification Sherloc (09022015). Collection method: clinical testing. Allele origin: germline.

Blueprint Genetics
Classification: Likely benign. Last evaluated: 2024-09-09. Review status: criteria provided, single submitter. Criteria: ACMG Guidelines, 2015. Collection method: clinical testing. Allele origin: germline.

Genome-Nilou Lab
Classification: Likely benign for Retinitis pigmentosa 39. Last evaluated: 2023-11-04. Review status: criteria provided, single submitter. Criteria: ACMG Guidelines, 2015. Collection method: clinical testing. Allele origin: germline. Affected: no.

Genome-Nilou Lab
Classification: Likely benign for Usher syndrome type 2A. Last evaluated: 2023-11-04. Review status: criteria provided, single submitter. Criteria: ACMG Guidelines, 2015. Collection method: clinical testing. Allele origin: germline. Affected: no.

CeGaT Center for Human Genetics Tuebingen
Classification: Likely benign. Last evaluated: 2022-09-01. Review status: criteria provided, single submitter. Criteria: CeGaT Center For Human Genetics Tuebingen Variant Classification Criteria Version 2. Collection method: clinical testing. Allele origin: germline. Affected: yes. Observed: 1 variant allele.
Comment: USH2A: BP4, BP7

Natera, Inc.
Classification: Likely benign for Usher syndrome type 2A. Last evaluated: 2020-05-01. Review status: no assertion criteria provided. Collection method: clinical testing. Allele origin: germline. Not counted in ClinVar's aggregate classification.

Institute of Human Genetics, Univ. Regensburg, Univ. Regensburg
Classification: Likely benign for Retinal dystrophy. Last evaluated: 2013-01-01. Review status: no assertion criteria provided. Criteria: ACMG Guidelines, 2015. Collection method: clinical testing. Allele origin: germline. Affected: yes. Not counted in ClinVar's aggregate classification.

Clinical Genetics DNA and cytogenetics Diagnostics Lab, Erasmus MC, Erasmus Medical Center
Classification: Likely benign. Review status: no assertion criteria provided. Collection method: clinical testing. Allele origin: germline. Affected: yes. Study: VKGL Data-share Consensus. Not counted in ClinVar's aggregate classification.

Clinical Genetics, Academic Medical Center
Classification: Benign. Review status: no assertion criteria provided. Collection method: clinical testing. Allele origin: germline. Affected: yes. Study: VKGL Data-share Consensus. Not counted in ClinVar's aggregate classification.